The following is an entry in ClinVar:

ClinVar aggregate classification (germline): Uncertain significance. Review status: criteria provided, multiple submitters, no conflicts (2 of 4 stars). 2 submissions from 2 submitters: Uncertain significance (2). Last evaluated 2022-09-06.

Conditions:
Craniolenticulosutural dysplasia (CLSD). Also called: BOYADJIEV-JABS SYNDROME. Identifiers: Orphanet 50814, MedGen C1843042, MONDO:0011911, OMIM 607812.

Allele frequency attached by ClinVar (database versions not stated): gnomAD 0.00001; ExAC 0.00001.

Submissions (2):

Labcorp Genetics (formerly Invitae), Labcorp
Classification: Uncertain significance for Craniolenticulosutural dysplasia. Last evaluated: 2022-09-06. Review status: criteria provided, single submitter. Criteria: Invitae Variant Classification Sherloc (09022015). Collection method: clinical testing. Allele origin: germline.
Comment: This sequence change replaces proline, which is neutral and non-polar, with leucine, which is neutral and non-polar, at codon 95 of the SEC23A protein (p.Pro95Leu). This variant is present in population databases (rs758162374, gnomAD 0.02%). This variant has not been reported in the literature in individuals affected with SEC23A-related conditions. Algorithms developed to predict the effect of missense changes on protein structure and function are either unavailable or do not agree on the potential impact of this missense change (SIFT: "Not Available"; PolyPhen-2: "Probably Damaging"; Align-GVGD: "Not Available"). In summary, the available evidence is currently insufficient to determine the role of this variant in disease. Therefore, it has been classified as a Variant of Uncertain Significance.

Ambry Genetics
Classification: Uncertain significance. Last evaluated: 2022-06-09. Review status: criteria provided, single submitter. Criteria: Ambry Variant Classification Scheme 2023. Collection method: clinical testing. Allele origin: germline.

NM_006364.4(SEC23A):c.284C>T (p.Pro95Leu)

Gene: SEC23A (SEC23 homolog A, COPII component; minus strand). Cytogenetic location: 14q21.1.
Variant type: single nucleotide variant.
Coding change: c.284C>T on transcript NM_006364.4 (MANE Select); coding-DNA position 284, C replaced by T.
Protein change: p.Pro95Leu; replaces proline 95 with leucine.
Molecular consequence: missense variant.
Genome position (GRCh38, 1-based): chr14:39,092,623, G>A on the plus strand (C>T on the coding strand, the complement: SEC23A is on the minus strand). VCF-style: chr14-39092623-G-A. GRCh37 (hg19) VCF-style: chr14-39561827-G-A.
Other names: short protein forms P95L.
Identifiers: ClinVar variation 2050586 (VCV002050586.5), dbSNP rs758162374, ClinGen allele CA7162168.